The following is an entry in ClinVar:

NM_001035.3(RYR2):c.3961G>A (p.Gly1321Arg)

Genes: RYR2 (ryanodine receptor 2; plus strand), LOC126806067 (BRD4-independent group 4 enhancer GRCh37_chr1:237753258-237754457; plus strand). Cytogenetic location: 1q43.
Variant type: single nucleotide variant.
Coding change: c.3961G>A on transcript NM_001035.3 (MANE Select); coding-DNA position 3961, G replaced by A.
Protein change: p.Gly1321Arg; replaces glycine 1321 with arginine.
Molecular consequence: missense variant.
Genome position (GRCh38, 1-based): chr1:237,590,793, G>A. VCF-style: chr1-237590793-G-A. GRCh37 (hg19) VCF-style: chr1-237754093-G-A.
Other names: short protein forms G1321R.
Identifiers: ClinVar variation 1364162 (VCV001364162.9), dbSNP rs2148437710, ClinGen allele CA345397446.

ClinVar aggregate classification (germline): Uncertain significance (1 of 4 stars; one submission).

Conditions:
Catecholaminergic polymorphic ventricular tachycardia 1. Also called: RYR2-Related Catecholaminergic Polymorphic Ventricular Tachycardia; VENTRICULAR TACHYCARDIA, CATECHOLAMINERGIC POLYMORPHIC, 1, WITH OR WITHOUT ATRIAL DYSFUNCTION AND/OR DILATED CARDIOMYOPATHY; VENTRICULAR TACHYCARDIA, STRESS-INDUCED POLYMORPHIC 1. Identifiers: Orphanet 3286, MedGen C1631597, MONDO:0011484, OMIM 604772.

gnomAD v4.1: 7 of 1,613,886 alleles (0.00043%); highest among the groups gnomAD compares: Non-Finnish European, 0.00059%; no homozygotes.

Submission:

Labcorp Genetics (formerly Invitae), Labcorp
Classification: Uncertain significance for Catecholaminergic polymorphic ventricular tachycardia 1. Last evaluated: 2025-02-06. Review status: criteria provided, single submitter. Criteria: Invitae Variant Classification Sherloc (09022015). Collection method: clinical testing. Allele origin: germline.
Comment: This sequence change replaces glycine, which is neutral and non-polar, with arginine, which is basic and polar, at codon 1321 of the RYR2 protein (p.Gly1321Arg). This variant is not present in population databases (gnomAD no frequency). This variant has not been reported in the literature in individuals affected with RYR2-related conditions. ClinVar contains an entry for this variant (Variation ID: 1364162). Invitae Evidence Modeling of protein sequence and biophysical properties (such as structural, functional, and spatial information, amino acid conservation, physicochemical variation, residue mobility, and thermodynamic stability) indicates that this missense variant is not expected to disrupt RYR2 protein function with a negative predictive value of 95%. In summary, the available evidence is currently insufficient to determine the role of this variant in disease. Therefore, it has been classified as a Variant of Uncertain Significance.